The following is an entry in ClinVar:

NM_001291303.3(FAT4):c.4257C>G (p.Ser1419Arg)

Gene: FAT4 (FAT atypical cadherin 4; plus strand). Cytogenetic location: 4q28.1.
Variant type: single nucleotide variant.
Coding change: c.4257C>G on transcript NM_001291303.3 (MANE Select); coding-DNA position 4257, C replaced by G.
Protein change: p.Ser1419Arg; replaces serine 1419 with arginine.
Molecular consequence: missense variant.
Genome position (GRCh38, 1-based): chr4:125,320,668, C>G. VCF-style: chr4-125320668-C-G. GRCh37 (hg19) VCF-style: chr4-126241823-C-G.
Other names: c.4257C>G, p.Ser1419Arg (NM_001291285.3, NM_024582.6); c.4257C>G (NM_024582.5); short protein forms S1419R.
Identifiers: ClinVar variation 452815 (VCV000452815.6), dbSNP rs377613970, ClinGen allele CA3072437.

ClinVar aggregate classification (germline): Uncertain significance. Review status: criteria provided, multiple submitters, no conflicts (2 of 4 stars). 3 submissions from 3 submitters: Uncertain significance (3). Last evaluated 2024-04-29.

Conditions:
Hennekam lymphangiectasia-lymphedema syndrome 2 (HKLLS2). Identifiers: Orphanet 2136, MedGen C4014939, MONDO:0014454, OMIM 616006.
Van Maldergem syndrome 2 (VMLDS2). Identifiers: Orphanet 314679, MedGen C3809875, MONDO:0014242, OMIM 615546.

Allele frequency attached by ClinVar (database versions not stated): gnomAD 0.00001; ExAC 0.00002; gnomAD exomes 0.00002; TOPMed 0.00002; ESP Exome Variant Server 0.00008.
gnomAD v4.1: 32 of 1,613,694 alleles (0.002%); highest among the groups gnomAD compares: Middle Eastern, 0.049%; no homozygotes.

Submissions (3):

Fulgent Genetics
Classification: Uncertain significance for Van Maldergem syndrome 2; Hennekam lymphangiectasia-lymphedema syndrome 2. Last evaluated: 2024-04-29. Review status: criteria provided, single submitter. Criteria: ACMG Guidelines, 2015. Collection method: clinical testing. Allele origin: germline.

Labcorp Genetics (formerly Invitae), Labcorp
Classification: Uncertain significance. Last evaluated: 2022-10-17. Review status: criteria provided, single submitter. Criteria: Invitae Variant Classification Sherloc (09022015). Collection method: clinical testing. Allele origin: germline.
Comment: This sequence change replaces serine, which is neutral and polar, with arginine, which is basic and polar, at codon 1419 of the FAT4 protein (p.Ser1419Arg). This variant is present in population databases (rs377613970, gnomAD 0.004%). This variant has not been reported in the literature in individuals affected with FAT4-related conditions. ClinVar contains an entry for this variant (Variation ID: 452815). Advanced modeling of protein sequence and biophysical properties (such as structural, functional, and spatial information, amino acid conservation, physicochemical variation, residue mobility, and thermodynamic stability) performed at Invitae indicates that this missense variant is not expected to disrupt FAT4 protein function. In summary, the available evidence is currently insufficient to determine the role of this variant in disease. Therefore, it has been classified as a Variant of Uncertain Significance.

GeneDx
Classification: Uncertain significance. Last evaluated: 2017-10-26. Review status: criteria provided, single submitter. Criteria: GeneDx Variant Classification (06012015). Collection method: clinical testing. Allele origin: germline. Affected: yes.
Comment: The S1419R variant in the FAT4 gene has not been reported previously as a pathogenic variant, nor as a benign variant, to our knowledge. The S1419R variant is not observed at a significant frequency in large population cohorts (Lek et al., 2016). The S1419R variant is a semi-conservative amino acid substitution, which may impact secondary protein structure as these residues differ in some properties. This substitution occurs at a position that is not conserved. In silico analysis is inconsistent in its predictions as to whether or not the variant is damaging to the protein structure/function. We interpret S1419R as a variant of uncertain significance.